The following is an entry in ClinVar:

NM_001267550.2(TTN):c.78064G>A (p.Val26022Ile)

Genes: TTN-AS1 (TTN antisense RNA 1; plus strand), TTN (titin; minus strand). Cytogenetic location: 2q31.2.
Variant type: single nucleotide variant.
Coding change: c.78064G>A on transcript NM_001267550.2 (MANE Select); coding-DNA position 78064, G replaced by A.
Protein change: p.Val26022Ile; replaces valine 26022 with isoleucine.
Molecular consequence: missense variant.
Genome position (GRCh38, 1-based): chr2:178,568,068, C>T on the plus strand (G>A on the coding strand, the complement: TTN is on the minus strand). VCF-style: chr2-178568068-C-T. GRCh37 (hg19) VCF-style: chr2-179432795-C-T.
Other names: c.73141G>A, p.Val24381Ile (NM_001256850.1); c.50869G>A, p.Val16957Ile (NM_003319.4); c.70360G>A, p.Val23454Ile (NM_133378.4); c.51244G>A, p.Val17082Ile (NM_133432.3); c.51445G>A, p.Val17149Ile (NM_133437.4); short protein forms V26022I, V24381I, V16957I, V17082I, V17149I, V23454I.
Identifiers: ClinVar variation 404777 (VCV000404777.13), dbSNP rs374764110, ClinGen allele CA1989667.

ClinVar aggregate classification (germline): Conflicting classifications of pathogenicity. Review status: criteria provided, conflicting classifications (1 of 4 stars). 6 submissions from 6 submitters: Uncertain significance (4); Likely benign (2). Last evaluated 2026-09-01.

Conditions:
TTN-related disorder. Also called: TTN-related disorders; TTN-related condition; TTN-related disease.
Autosomal recessive limb-girdle muscular dystrophy type 2J (LGMDR10). Also called: Limb-girdle muscular dystrophy, type 2J; MUSCULAR DYSTROPHY, LIMB-GIRDLE, AUTOSOMAL RECESSIVE 10. Identifiers: Orphanet 140922, MedGen C1837342, MONDO:0012127, OMIM 608807.
Dilated cardiomyopathy 1G (CMD1G). Identifiers: Orphanet 154, MedGen C1858763, MONDO:0011400, OMIM 604145.
Cardiovascular phenotype. Identifiers: MedGen CN230736.
Cardiomyopathy (CMYO). Also called: Cardiomyopathies. Identifiers: Orphanet 167848, MedGen C0878544, MONDO:0004994, HP:0001638. Inheritance: Various modes of inheritance.

Allele frequency attached by ClinVar (database versions not stated): gnomAD exomes 0.00004 and 0.00007; ExAC 0.00006; ESP Exome Variant Server 0.00008; 1000 Genomes Project 30x 0.00016; TOPMed 0.00017; gnomAD 0.00019; 1000 Genomes Project 0.00020.
gnomAD v4.1: 88 of 1,613,328 alleles (0.0055%); highest among the groups gnomAD compares: African/African-American, 0.052%; no homozygotes.

Submissions (6):

PreventionGenetics, part of Exact Sciences
Classification: Uncertain significance for TTN-related condition. Last evaluated: 2026-09-01. Review status: criteria provided, single submitter. Criteria: ACMG Guidelines, 2015. Collection method: clinical testing. Allele origin: germline.
Comment: The TTN c.78064G>A variant is predicted to result in the amino acid substitution p.Val26022Ile. To our knowledge, this variant has not been reported in the literature. This variant is reported in 0.050% of alleles in individuals of African descent in gnomAD. Although we suspect that this variant may be benign, at this time, the clinical significance of this variant is uncertain due to the absence of conclusive functional and genetic evidence.

Revvity Omics, Revvity
Classification: Uncertain significance. Last evaluated: 2024-04-17. Review status: criteria provided, single submitter. Criteria: ACMG Guidelines, 2015. Collection method: clinical testing. Allele origin: germline.

GeneDx
Classification: Likely benign. Last evaluated: 2020-12-17. Review status: criteria provided, single submitter. Criteria: GeneDx Variant Classification Process June 2021. Collection method: clinical testing. Allele origin: germline. Affected: yes.

CHEO Genetics Diagnostic Laboratory, Children's Hospital of Eastern Ontario
Classification: Likely benign for Cardiomyopathy. Last evaluated: 2019-10-28. Review status: criteria provided, single submitter. Criteria: ACMG Guidelines, 2015. Collection method: clinical testing. Allele origin: germline.

Ambry Genetics
Classification: Uncertain significance for Cardiovascular phenotype. Last evaluated: 2019-01-21. Review status: criteria provided, single submitter. Criteria: Ambry Variant Classification Scheme 2023. Collection method: clinical testing. Allele origin: germline.
Comment: The p.V16957I variant (also known as c.50869G>A), located in coding exon 153 of the TTN gene, results from a G to A substitution at nucleotide position 50869. The valine at codon 16957 is replaced by isoleucine, an amino acid with highly similar properties. This amino acid position is not well conserved in available vertebrate species, and isoleucine is the reference amino acid in other vertebrate species. In addition, this alteration is predicted to be tolerated by in silico analysis. Since supporting evidence is limited at this time, the clinical significance of this alteration remains unclear.

Labcorp Genetics (formerly Invitae), Labcorp
Classification: Uncertain significance for Dilated cardiomyopathy 1G; Autosomal recessive limb-girdle muscular dystrophy type 2J. Last evaluated: 2017-04-26. Review status: criteria provided, single submitter. Criteria: Invitae Variant Classification Sherloc (09022015). Collection method: clinical testing. Allele origin: germline.